The following is an entry in ClinVar:

NM_014991.6(WDFY3):c.32C>A (p.Pro11Gln)

Gene: WDFY3 (WD repeat and FYVE domain containing 3; minus strand). Cytogenetic location: 4q21.23.
Variant type: single nucleotide variant.
Coding change: c.32C>A on transcript NM_014991.6 (MANE Select); coding-DNA position 32, C replaced by A.
Protein change: p.Pro11Gln; replaces proline 11 with glutamine.
Molecular consequence: missense variant.
Genome position (GRCh38, 1-based): chr4:84,860,560, G>T on the plus strand (C>A on the coding strand, the complement: WDFY3 is on the minus strand). VCF-style: chr4-84860560-G-T. GRCh37 (hg19) VCF-style: chr4-85781713-G-T.
Other names: short protein forms P11Q.
Identifiers: ClinVar variation 3370914 (VCV003370914.1).

ClinVar aggregate classification (germline): Uncertain significance (1 of 4 stars; one submission).

Submission:

GeneDx
Classification: Uncertain significance. Last evaluated: 2024-03-12. Review status: criteria provided, single submitter. Criteria: GeneDx Variant Classification Process June 2021. Collection method: clinical testing. Allele origin: germline. Affected: yes.
Comment: Not observed at significant frequency in large population cohorts (gnomAD); In silico analysis supports that this missense variant has a deleterious effect on protein structure/function; Has not been previously published as pathogenic or benign to our knowledge